The following is an entry in ClinVar:

ClinVar aggregate classification (germline): Uncertain significance. Review status: criteria provided, single submitter (1 of 4 stars). 2 submissions from 2 submitters: Uncertain significance (1). 1 of the submissions does not count toward it. Last evaluated 2023-10-03.

Conditions:
Bietti crystalline corneoretinal dystrophy (BCD). Also called: Bietti Crystalline Dystrophy; BIETTI TAPETORETINAL DEGENERATION WITH MARGINAL CORNEAL DYSTROPHY. Identifiers: Orphanet 41751, MedGen C1859486, MONDO:0008865, OMIM 210370.

Allele frequency attached by ClinVar (database versions not stated): gnomAD exomes below 0.00001 and 0.00001; ExAC 0.00001.
gnomAD v4.1: 1 of 1,614,170 alleles (0.000062%); highest among the groups gnomAD compares: East Asian, 0.0022%; no homozygotes.

Submissions (2):

Labcorp Genetics (formerly Invitae), Labcorp
Classification: Uncertain significance. Last evaluated: 2023-10-03. Review status: criteria provided, single submitter. Criteria: Invitae Variant Classification Sherloc (09022015). Collection method: clinical testing. Allele origin: germline.
Comment: This sequence change replaces histidine, which is basic and polar, with arginine, which is basic and polar, at codon 254 of the CYP4V2 protein (p.His254Arg). This variant is present in population databases (rs199476193, gnomAD 0.006%). This missense change has been observed in individual(s) with CYP4V2-related conditions (PMID: 21565171). ClinVar contains an entry for this variant (Variation ID: 39270). Advanced modeling of protein sequence and biophysical properties (such as structural, functional, and spatial information, amino acid conservation, physicochemical variation, residue mobility, and thermodynamic stability) performed at Invitae indicates that this missense variant is not expected to disrupt CYP4V2 protein function. In summary, the available evidence is currently insufficient to determine the role of this variant in disease. Therefore, it has been classified as a Variant of Uncertain Significance.

GeneReviews
Classification: Pathogenic for Bietti Crystalline Dystrophy. Last evaluated: 2012-04-12. Review status: no assertion criteria provided. Collection method: curation. Allele origin: unknown. Not counted in ClinVar's aggregate classification.
ClinVar note: Converted during submission from pathologic to Pathogenic.

Literature cited by the submitters: PubMed 21565171 (cited by Labcorp Genetics (formerly Invitae), Labcorp).

NM_207352.4(CYP4V2):c.761A>G (p.His254Arg)

Gene: CYP4V2 (cytochrome P450 family 4 subfamily V member 2; plus strand). Cytogenetic location: 4q35.1.
Variant type: single nucleotide variant.
Coding change: c.761A>G on transcript NM_207352.4 (MANE Select); coding-DNA position 761, A replaced by G.
Protein change: p.His254Arg; replaces histidine 254 with arginine.
Molecular consequence: missense variant.
Genome position (GRCh38, 1-based): chr4:186,199,043, A>G. VCF-style: chr4-186199043-A-G. GRCh37 (hg19) VCF-style: chr4-187120197-A-G.
Other names: c.1065A>G; short protein forms H254R.
Identifiers: ClinVar variation 39270 (VCV000039270.7), dbSNP rs199476193, ClinGen allele CA343738.
Genomic context (GRCh38, chr4:186,199,043, plus strand): 5'-TAAAGATGCCCTGGCTTTGGCTTGATCTCTGGTACCTTATGTTTAAAGAAGGATGGGAAC[A>G]CAAAAAGAGCCTTCAGATCCTACATACTTTTACCAACAGTGTAAGTCCCTGACTTTTACA-3'
Protein context (NP_997235.3, residues 244-264): WYLMFKEGWE[His254Arg]KKSLQILHTF